The following is an entry in ClinVar:

NM_000091.5(COL4A3):c.532G>A (p.Ala178Thr)

Genes: COL4A3 (collagen type IV alpha 3 chain; plus strand), MFF-DT (MFF divergent transcript; minus strand). Cytogenetic location: 2q36.3.
Variant type: single nucleotide variant.
Coding change: c.532G>A on transcript NM_000091.5 (MANE Select); coding-DNA position 532, G replaced by A.
Protein change: p.Ala178Thr; replaces alanine 178 with threonine.
Molecular consequence: missense variant.
Genome position (GRCh38, 1-based): chr2:227,248,506, G>A. VCF-style: chr2-227248506-G-A. GRCh37 (hg19) VCF-style: chr2-228113222-G-A.
Other names: short protein forms A178T.
Identifiers: ClinVar variation 1582387 (VCV001582387.12), dbSNP rs188324379, ClinGen allele CA2146185.
Genomic context (GRCh38, chr2:227,248,506, plus strand): 5'-GCTCCTGCTAAAGAAGAAGATATAGAACTTGATGCAAAAGGCGACCCCGGGTTGCCAGGG[G>A]CTCCAGGACCCCAGGTACAGCACTTCAGAGAAGGTCCCTATTATTCTCAGTTTTTCACTC-3'
Protein context (NP_000082.2, residues 168-188): DAKGDPGLPG[Ala178Thr]PGPQGLPGPP

ClinVar aggregate classification (germline): Conflicting classifications of pathogenicity. Review status: criteria provided, conflicting classifications (1 of 4 stars). 3 submissions from 3 submitters: Uncertain significance (2); Likely benign (1). Last evaluated 2025-12-30.

Conditions:
Inborn genetic diseases. Identifiers: MedGen C0950123, MeSH D030342.

Allele frequency attached by ClinVar (database versions not stated): ExAC 0.00004; gnomAD exomes 0.00004; 1000 Genomes Project 30x 0.00016; ESP Exome Variant Server 0.00017; 1000 Genomes Project 0.00020; gnomAD 0.00020 and 0.00023; TOPMed 0.00023.
gnomAD v4.1: 74 of 1,612,546 alleles (0.0046%); highest among the groups gnomAD compares: African/African-American, 0.093%; no homozygotes.

Submissions (3):

Labcorp Genetics (formerly Invitae), Labcorp
Classification: Likely benign. Last evaluated: 2025-12-30. Review status: criteria provided, single submitter. Criteria: Invitae Variant Classification Sherloc (09022015). Collection method: clinical testing. Allele origin: germline.

GeneDx
Classification: Uncertain significance. Last evaluated: 2024-02-14. Review status: criteria provided, single submitter. Criteria: GeneDx Variant Classification Process June 2021. Collection method: clinical testing. Allele origin: germline. Affected: yes.
Comment: In silico analysis supports that this missense variant does not alter protein structure/function; Occurs in the triple helical domain at the X position in the canonical Gly-X-Y repeat; although this variant may have an effect on normal protein folding and function, missense substitution at the X position is not a common mechanism of disease; Has not been previously published as pathogenic or benign to our knowledge

Ambry Genetics
Classification: Uncertain significance for Inborn genetic diseases. Last evaluated: 2021-08-09. Review status: criteria provided, single submitter. Criteria: Ambry Variant Classification Scheme 2023. Collection method: clinical testing. Allele origin: germline.